The following is an entry in ClinVar:

NM_144631.6(ZNF513):c.746C>T (p.Ala249Val)

Gene: ZNF513 (zinc finger protein 513; minus strand). Cytogenetic location: 2p23.3.
Variant type: single nucleotide variant.
Coding change: c.746C>T on transcript NM_144631.6 (MANE Select); coding-DNA position 746, C replaced by T.
Protein change: p.Ala249Val; replaces alanine 249 with valine.
Molecular consequence: missense variant.
Genome position (GRCh38, 1-based): chr2:27,378,520, G>A on the plus strand (C>T on the coding strand, the complement: ZNF513 is on the minus strand). VCF-style: chr2-27378520-G-A. GRCh37 (hg19) VCF-style: chr2-27601387-G-A.
Other names: c.560C>T, p.Ala187Val (NM_001201459.2); short protein forms A187V, A249V.
Identifiers: ClinVar variation 2052591 (VCV002052591.4), dbSNP rs1683457880, ClinGen allele CA346217522.

ClinVar aggregate classification (germline): Uncertain significance (1 of 4 stars; one submission).

Submission:

Labcorp Genetics (formerly Invitae), Labcorp
Classification: Uncertain significance. Last evaluated: 2021-12-22. Review status: criteria provided, single submitter. Criteria: Invitae Variant Classification Sherloc (09022015). Collection method: clinical testing. Allele origin: germline.
Comment: Algorithms developed to predict the effect of missense changes on protein structure and function (SIFT, PolyPhen-2, Align-GVGD) all suggest that this variant is likely to be tolerated. In summary, the available evidence is currently insufficient to determine the role of this variant in disease. Therefore, it has been classified as a Variant of Uncertain Significance. This variant has not been reported in the literature in individuals affected with ZNF513-related conditions. This variant is not present in population databases (gnomAD no frequency). This sequence change replaces alanine, which is neutral and non-polar, with valine, which is neutral and non-polar, at codon 249 of the ZNF513 protein (p.Ala249Val).